The following is an entry in ClinVar:

ClinVar aggregate classification (germline): Conflicting classifications of pathogenicity. Review status: criteria provided, conflicting classifications (1 of 4 stars). 6 submissions from 6 submitters: Uncertain significance (3); Likely benign (3). Last evaluated 2025-12-22.

Conditions:
Autosomal recessive limb-girdle muscular dystrophy type 2Q (LGMDR17). Also called: MUSCULAR DYSTROPHY, LIMB-GIRDLE, AUTOSOMAL RECESSIVE 17. Identifiers: Orphanet 254361, MedGen C3150989, MONDO:0013390, OMIM 613723.
Epidermolysis bullosa simplex 5B, with muscular dystrophy (EBS5B). Also called: EPIDERMOLYSIS BULLOSA SIMPLEX AND LIMB-GIRDLE MUSCULAR DYSTROPHY; Epidermolysis bullosa simplex with muscular dystrophy. Identifiers: Orphanet 257, MedGen C2931072, MONDO:0009181, OMIM 226670.
Epidermolysis bullosa simplex with nail dystrophy (EBS5D). Identifiers: MedGen C4225309, MONDO:0014661, OMIM 616487.
Junctional epidermolysis bullosa with pyloric atresia. Also called: APLASIA CUTIS CONGENITA WITH GASTROINTESTINAL ATRESIA; CARMI SYNDROME; EB-PA-ACC; Epidermolysis bullosa, junctional, with pyloric atresia and aplasia cutis congenita; Epidermolysis bullosa junctionalis with pyloric atresia; EPIDERMOLYSIS BULLOSA, JUNCTIONAL 5B, WITH PYLORIC ATRESIA. Identifiers: Orphanet 79403, MedGen C5676875, MONDO:0009183, OMIM 226730.
Epidermolysis bullosa simplex, Ogna type (EBS5A). Also called: Pidermolysis bullosa simplex 5A, Ogna type; EPIDERMOLYSIS BULLOSA SIMPLEX 5A, OGNA TYPE. Identifiers: Orphanet 79401, MedGen C0432317, MONDO:0007555, OMIM 131950.
Epidermolysis bullosa simplex 5C, with pyloric atresia (EBS5C). Also called: PLEC1-Related Epidermolysis Bullosa with Pyloric Atresia; PLEC-Related Epidermolysis Bullosa with Pyloric Atresia; Epidermolysis bullosa simplex with pyloric atresia. Identifiers: Orphanet 158684, MedGen C2677349, MONDO:0012807, OMIM 612138.
PLEC-related disorder. Also called: PLEC-related disorders; PLEC-related condition.

Allele frequency attached by ClinVar (database versions not stated): gnomAD exomes 0.00007 and 0.00014; TOPMed 0.00009; gnomAD 0.00011; 1000 Genomes Project 0.00020; 1000 Genomes Project 30x 0.00031; ExAC 0.00014.
gnomAD v4.1: 119 of 1,612,490 alleles (0.0074%); highest among the groups gnomAD compares: Middle Eastern, 0.016%; no homozygotes.

Submissions (6):

Labcorp Genetics (formerly Invitae), Labcorp
Classification: Uncertain significance for Autosomal recessive limb-girdle muscular dystrophy type 2Q; Epidermolysis bullosa simplex, Ogna type; Epidermolysis bullosa simplex with nail dystrophy; Epidermolysis bullosa simplex 5C, with pyloric atresia; Epidermolysis bullosa simplex 5B, with muscular dystrophy. Last evaluated: 2025-12-22. Review status: criteria provided, single submitter. Criteria: Invitae Variant Classification Sherloc (09022015). Collection method: clinical testing. Allele origin: germline.
Comment: This sequence change replaces arginine, which is basic and polar, with glutamine, which is neutral and polar, at codon 2998 of the PLEC protein (p.Arg2998Gln). This variant is present in population databases (rs552713184, gnomAD 0.2%). This variant has not been reported in the literature in individuals affected with PLEC-related conditions. ClinVar contains an entry for this variant (Variation ID: 383363). Invitae Evidence Modeling of protein sequence and biophysical properties (such as structural, functional, and spatial information, amino acid conservation, physicochemical variation, residue mobility, and thermodynamic stability) indicates that this missense variant is not expected to disrupt PLEC protein function with a negative predictive value of 80%. In summary, the available evidence is currently insufficient to determine the role of this variant in disease. Therefore, it has been classified as a Variant of Uncertain Significance.

PreventionGenetics, part of Exact Sciences
Classification: Likely benign for PLEC-related condition. Last evaluated: 2025-08-03. Review status: criteria provided, single submitter. Criteria: ACMG Guidelines, 2015. Collection method: clinical testing. Allele origin: germline.
Comment: This variant is classified as likely benign based on ACMG/AMP sequence variant interpretation guidelines (Richards et al. 2015 PMID: 25741868, with internal and published modifications).

Blueprint Genetics
Classification: Likely benign. Last evaluated: 2024-10-01. Review status: criteria provided, single submitter. Criteria: ACMG Guidelines, 2015. Collection method: clinical testing. Allele origin: germline.

Revvity Omics, Revvity
Classification: Uncertain significance. Last evaluated: 2022-09-12. Review status: criteria provided, single submitter. Criteria: ACMG Guidelines, 2015. Collection method: clinical testing. Allele origin: germline.

Department of Pathology and Laboratory Medicine, Sinai Health System
Classification: Uncertain significance for Epidermolysis bullosa simplex, Ogna type; Epidermolysis bullosa simplex 5B, with muscular dystrophy; Junctional epidermolysis bullosa with pyloric atresia; Epidermolysis bullosa simplex 5C, with pyloric atresia; Autosomal recessive limb-girdle muscular dystrophy type 2Q; Epidermolysis bullosa simplex with nail dystrophy. Last evaluated: 2022-01-10. Review status: criteria provided, single submitter. Criteria: ACMG Guidelines, 2015. Collection method: research. Allele origin: germline.

GeneDx
Classification: Likely benign. Last evaluated: 2016-01-27. Review status: criteria provided, single submitter. Criteria: GeneDx Variant Classification (06012015). Collection method: clinical testing. Allele origin: germline. Affected: yes.
Comment: This variant is considered likely benign or benign based on one or more of the following criteria: it is a conservative change, it occurs at a poorly conserved position in the protein, it is predicted to be benign by multiple in silico algorithms, and/or has population frequency not consistent with disease.

NM_201384.3(PLEC):c.8912G>A (p.Arg2971Gln)

Gene: PLEC (plectin; minus strand). Cytogenetic location: 8q24.3.
Variant type: single nucleotide variant.
Coding change: c.8912G>A on transcript NM_201384.3 (MANE Select); coding-DNA position 8912, G replaced by A.
Protein change: p.Arg2971Gln; replaces arginine 2971 with glutamine.
Molecular consequence: missense variant.
Genome position (GRCh38, 1-based): chr8:143,920,909, C>T on the plus strand (G>A on the coding strand, the complement: PLEC is on the minus strand). VCF-style: chr8-143920909-C-T. GRCh37 (hg19) VCF-style: chr8-144995077-C-T.
Other names: c.8993G>A, p.Arg2998Gln (NM_000445.5); c.8870G>A, p.Arg2957Gln (NM_201378.4); c.8846G>A, p.Arg2949Gln (NM_201379.3); c.9323G>A, p.Arg3108Gln (NM_201380.4); c.8816G>A, p.Arg2939Gln (NM_201381.3); c.8912G>A, p.Arg2971Gln (NM_201382.4); c.8924G>A, p.Arg2975Gln (NM_201383.3); short protein forms R2939Q, R2949Q, R2957Q, R2971Q, R2975Q, R2998Q, R3108Q.
Identifiers: ClinVar variation 383363 (VCV000383363.13), dbSNP rs552713184, ClinGen allele CA4925140.